The following is an entry in ClinVar:

NM_024753.5(TTC21B):c.435C>T (p.His145=)

Genes: TTC21B (tetratricopeptide repeat domain 21B; minus strand), TTC21B-AS1 (TTC21B antisense RNA 1; plus strand). Cytogenetic location: 2q24.3.
Variant type: single nucleotide variant.
Coding change: c.435C>T on transcript NM_024753.5 (MANE Select); coding-DNA position 435, C replaced by T.
Protein change: p.His145=; no amino-acid change (histidine 145 retained).
Molecular consequence: synonymous variant.
Genome position (GRCh38, 1-based): chr2:165,943,336, G>A on the plus strand (C>T on the coding strand, the complement: TTC21B is on the minus strand). VCF-style: chr2-165943336-G-A. GRCh37 (hg19) VCF-style: chr2-166799846-G-A.
Identifiers: ClinVar variation 714222 (VCV000714222.8), dbSNP rs775319794, ClinGen allele CA1942437.

ClinVar aggregate classification (germline): Likely benign. Review status: criteria provided, multiple submitters, no conflicts (2 of 4 stars). 3 submissions from 3 submitters: Likely benign (3). Last evaluated 2025-08-26.

Conditions:
Nephronophthisis. Also called: Juvenile Nephronophthisis. Identifiers: Orphanet 655, MedGen C0687120, MONDO:0019005, HP:0000090.
Jeune thoracic dystrophy. Also called: Jeune syndrome; Infantile thoracic dystrophy; Thoracic pelvic phalangeal dystrophy; Jeune's syndrome; Chondroectodermal dysplasia-like syndrome; Short-rib thoracic dysplasia. Identifiers: Orphanet 474, MedGen C0265275, MONDO:0018770.
TTC21B-related disorder. Also called: TTC21B-related condition; TTC21B-related disorders.

Allele frequency attached by ClinVar (database versions not stated): gnomAD 0.00001 and 0.00002; TOPMed 0.00002; gnomAD exomes 0.00003 and 0.00005; ExAC 0.00004.
gnomAD v4.1: 50 of 1,604,322 alleles (0.0031%); highest among the groups gnomAD compares: South Asian, 0.041%; 1 homozygote.

Submissions (3):

PreventionGenetics, part of Exact Sciences
Classification: Likely benign for TTC21B-related condition. Last evaluated: 2025-08-26. Review status: criteria provided, single submitter. Criteria: ACMG Guidelines, 2015. Collection method: clinical testing. Allele origin: germline.
Comment: This variant is classified as likely benign based on ACMG/AMP sequence variant interpretation guidelines (Richards et al. 2015 PMID: 25741868, with internal and published modifications).

Labcorp Genetics (formerly Invitae), Labcorp
Classification: Likely benign for Jeune thoracic dystrophy; Nephronophthisis. Last evaluated: 2024-10-03. Review status: criteria provided, single submitter. Criteria: Invitae Variant Classification Sherloc (09022015). Collection method: clinical testing. Allele origin: germline.

Blueprint Genetics
Classification: Likely benign. Last evaluated: 2024-08-21. Review status: criteria provided, single submitter. Criteria: ACMG Guidelines, 2015. Collection method: clinical testing. Allele origin: germline.